The following is an entry in ClinVar:

ClinVar aggregate classification (germline): Uncertain significance (1 of 4 stars; one submission).

Submission:

Labcorp Genetics (formerly Invitae), Labcorp
Classification: Uncertain significance. Last evaluated: 2024-04-05. Review status: criteria provided, single submitter. Criteria: Invitae Variant Classification Sherloc (09022015). Collection method: clinical testing. Allele origin: germline.
Comment: This sequence change replaces lysine, which is basic and polar, with glutamic acid, which is acidic and polar, at codon 1152 of the NEXMIF protein (p.Lys1152Glu). This variant is not present in population databases (gnomAD no frequency). This variant has not been reported in the literature in individuals affected with NEXMIF-related conditions. An algorithm developed to predict the effect of missense changes on protein structure and function (PolyPhen-2) suggests that this variant is likely to be disruptive. In summary, the available evidence is currently insufficient to determine the role of this variant in disease. Therefore, it has been classified as a Variant of Uncertain Significance.

NM_001008537.3(NEXMIF):c.3454A>G (p.Lys1152Glu)

Gene: NEXMIF (neurite extension and migration factor; minus strand). Cytogenetic location: Xq13.3.
Variant type: single nucleotide variant.
Coding change: c.3454A>G on transcript NM_001008537.3 (MANE Select); coding-DNA position 3454, A replaced by G.
Protein change: p.Lys1152Glu; replaces lysine 1152 with glutamic acid.
Molecular consequence: missense variant.
Genome position (GRCh38, 1-based): chrX:74,741,103, T>C on the plus strand (A>G on the coding strand, the complement: NEXMIF is on the minus strand). VCF-style: chrX-74741103-T-C. GRCh37 (hg19) VCF-style: chrX-73960938-T-C.
Other names: short protein forms K1152E.
Identifiers: ClinVar variation 3622983 (VCV003622983.2).
Genomic context (GRCh38, chrX:74,741,103, plus strand): 5'-CTTTGTTGTTGGTACTAATTTGACCAGATGGATCATTAAATGTTGACAGGCAAGGGTTTT[T>C]TTGGAGCAGGCTGACAGAATCCTCATCATTGAACATATGGAACTGAAACTGGTGATTATT-3'
Protein context (NP_001008537.1, residues 1142-1162): NDEDSVSLLQ[Lys1152Glu]NPCLSTFNDP